The following is an entry in ClinVar:

ClinVar aggregate classification (germline): Pathogenic (1 of 4 stars; one submission).

Conditions:
Hereditary diffuse gastric adenocarcinoma (HDGC). Also called: DIFFUSE GASTRIC AND LOBULAR BREAST CANCER SYNDROME. Identifiers: Orphanet 26106, MedGen C1708349, MONDO:0007648, OMIM 137215.

Submission:

European Reference Network on Genetic Tumour Risk Syndromes (ERN-GENTURIS), i3s - Instituto de Investigação e Inovação em Saúde, University of Porto
Classification: Pathogenic for Hereditary diffuse gastric adenocarcinoma. Last evaluated: 2022-08-01. Review status: criteria provided, single submitter. Criteria: Lee et al. (Hum Mutat. 2018). Collection method: clinical testing. Allele origin: germline. Inheritance: Autosomal dominant inheritance. Affected: yes. Study: ERN GENTURIS.
Comment: PVS1; PS4_Supporting; PM2 (PMID: 30311375)

Literature cited by the submitters: PubMed 36436516; PubMed 26072394.

NM_004360.5(CDH1):c.971del (p.Gly324fs)

Gene: CDH1 (cadherin 1; plus strand). Cytogenetic location: 16q22.1.
Variant type: Deletion.
Coding change: c.971del on transcript NM_004360.5 (MANE Select); coding-DNA position 971, one base deleted (G; older notation c.971delG).
Protein change: p.Gly324fs; shifts the reading frame from glycine 324.
Molecular consequence: frameshift variant. On other transcripts: 5 prime UTR variant (2).
Genome position (GRCh38, 1-based): chr16:68,811,822, G deleted; the last of 2 consecutive G bases (chr16:68,811,821-68,811,822); deleting either gives the same sequence. VCF-style (leftmost placement, unchanged base first): chr16-68811820-AG-A. GRCh37 (hg19) VCF-style: chr16-68845723-AG-A.
Other names: c.971del, p.Gly324fs (NM_001317184.2); c.-645del (NM_001317185.2); c.-849del (NM_001317186.2); short protein forms G324fs.
Identifiers: ClinVar variation 2502931 (VCV002502931.1), dbSNP rs2543922766, ClinGen allele CA2580612878.